The following is an entry in ClinVar:

ClinVar aggregate classification (germline): Uncertain significance. Review status: criteria provided, multiple submitters, no conflicts (2 of 4 stars). 2 submissions from 2 submitters: Uncertain significance (2). Last evaluated 2025-11-17.

Conditions:
Cystinuria (CSNU). Also called: Cystinuria, non-type I; CYSTINURIA, TYPE I; CYSTINURIA, TYPE II; CYSTINURIA, TYPE III. Identifiers: Orphanet 214, MedGen C0010691, MONDO:0009067, OMIM 220100, HP:0003131.
Inborn genetic diseases. Identifiers: MedGen C0950123, MeSH D030342.

Allele frequency attached by ClinVar (database versions not stated): TOPMed 0.00001.
gnomAD v4.1: 7 of 1,614,096 alleles (0.00043%); highest among the groups gnomAD compares: South Asian, 0.0011%; no homozygotes.

Submissions (2):

Labcorp Genetics (formerly Invitae), Labcorp
Classification: Uncertain significance for Cystinuria. Last evaluated: 2025-11-17. Review status: criteria provided, single submitter. Criteria: Invitae Variant Classification Sherloc (09022015). Collection method: clinical testing. Allele origin: germline.
Comment: This sequence change replaces lysine, which is basic and polar, with glutamic acid, which is acidic and polar, at codon 5 of the SLC3A1 protein (p.Lys5Glu). This variant is not present in population databases (gnomAD no frequency). This variant has not been reported in the literature in individuals affected with SLC3A1-related conditions. ClinVar contains an entry for this variant (Variation ID: 2048144). An algorithm developed to predict the effect of missense changes on protein structure and function outputs the following: PolyPhen-2: "Benign". The glutamic acid amino acid residue is found in multiple mammalian species, which suggests that this missense change does not adversely affect protein function. In summary, the available evidence is currently insufficient to determine the role of this variant in disease. Therefore, it has been classified as a Variant of Uncertain Significance.

Ambry Genetics
Classification: Uncertain significance for Inborn genetic diseases. Last evaluated: 2023-08-04. Review status: criteria provided, single submitter. Criteria: Ambry Variant Classification Scheme 2023. Collection method: clinical testing. Allele origin: germline.

NM_000341.4(SLC3A1):c.13A>G (p.Lys5Glu)

Gene: SLC3A1 (solute carrier family 3 member 1; plus strand). Cytogenetic location: 2p21.
Variant type: single nucleotide variant.
Coding change: c.13A>G on transcript NM_000341.4 (MANE Select); coding-DNA position 13, A replaced by G.
Protein change: p.Lys5Glu; replaces lysine 5 with glutamic acid.
Molecular consequence: missense variant.
Genome position (GRCh38, 1-based): chr2:44,275,548, A>G. VCF-style: chr2-44275548-A-G. GRCh37 (hg19) VCF-style: chr2-44502687-A-G.
Other names: c.13A>G (NM_000341.3); short protein forms K5E.
Identifiers: ClinVar variation 2048144 (VCV002048144.6), dbSNP rs923446924, ClinGen allele CA46487342.